The following is an entry in ClinVar:

ClinVar aggregate classification (germline): Likely benign. Review status: criteria provided, multiple submitters, no conflicts (2 of 4 stars). 3 submissions from 3 submitters: Likely benign (3). Last evaluated 2025-09-04.

Conditions:
Familial cancer of breast. Also called: Hereditary breast cancer; BREAST CANCER, FAMILIAL; hereditary breast carcinoma. Identifiers: Orphanet 227535, MedGen C0346153, MONDO:0016419, OMIM 114480. Disease mechanism: loss of function.
Ataxia-telangiectasia syndrome (AT). Also called: Ataxia-telangiectasia, complementation group D; AT, COMPLEMENTATION GROUP C; ATAXIA-TELANGIECTASIA, COMPLEMENTATION GROUP A; ATAXIA-TELANGIECTASIA, FRESNO VARIANT; Ataxia-telangiectasia; LOUIS-BAR SYNDROME. Identifiers: Orphanet 100, MedGen C0004135, MONDO:0008840, OMIM 208900.

Submissions (3):

Women's Health and Genetics/Laboratory Corporation of America, LabCorp
Classification: Likely benign. Last evaluated: 2025-09-04. Review status: criteria provided, single submitter. Criteria: LabCorp Variant Classification Summary - May 2015. Collection method: clinical testing. Allele origin: germline.

Myriad Genetics, Inc.
Classification: Likely benign for Familial cancer of breast. Last evaluated: 2024-06-05. Review status: criteria provided, single submitter. Criteria: Myriad Autosomal Dominant, Autosomal Recessive and X-Linked Classification Criteria (2023). Collection method: clinical testing. Allele origin: unknown.
Comment: This variant is considered likely benign. This variant is intronic and is not expected to impact mRNA splicing.

Labcorp Genetics (formerly Invitae), Labcorp
Classification: Likely benign for Ataxia-telangiectasia syndrome. Last evaluated: 2024-05-01. Review status: criteria provided, single submitter. Criteria: Invitae Variant Classification Sherloc (09022015). Collection method: clinical testing. Allele origin: germline.

NM_000051.4(ATM):c.6199-6G>T

Genes: ATM (ATM serine/threonine kinase; plus strand), C11orf65 (chromosome 11 open reading frame 65; minus strand). Cytogenetic location: 11q22.3.
Variant type: single nucleotide variant.
Coding change: c.6199-6G>T on transcript NM_000051.4 (MANE Select); 6 bases into the intron before coding-DNA position 6199, G replaced by T.
Molecular consequence: intron variant.
Genome position (GRCh38, 1-based): chr11:108,317,367, G>T. VCF-style: chr11-108317367-G-T. GRCh37 (hg19) VCF-style: chr11-108188094-G-T.
Other names: c.6199-6G>T (NM_001351834.2); c.641-8296C>A (NM_001330368.2); c.*39-8296C>A (NM_001351110.2).
Identifiers: ClinVar variation 752387 (VCV000752387.13), dbSNP rs1555114529, ClinGen allele CA915947656.